The following is an entry in ClinVar:

NM_005560.6(LAMA5):c.7121T>C (p.Leu2374Pro)

Gene: LAMA5 (laminin subunit alpha 5; minus strand). Cytogenetic location: 20q13.33.
Variant type: single nucleotide variant.
Coding change: c.7121T>C on transcript NM_005560.6 (MANE Select); coding-DNA position 7121, T replaced by C.
Protein change: p.Leu2374Pro; replaces leucine 2374 with proline.
Molecular consequence: missense variant.
Genome position (GRCh38, 1-based): chr20:62,318,572, A>G on the plus strand (T>C on the coding strand, the complement: LAMA5 is on the minus strand). VCF-style: chr20-62318572-A-G. GRCh37 (hg19) VCF-style: chr20-60893628-A-G.
Other names: short protein forms L2374P.
Identifiers: ClinVar variation 3252329 (VCV003252329.1), dbSNP rs1368343307.

ClinVar aggregate classification (germline): Uncertain significance (1 of 4 stars; one submission).

Allele frequency attached by ClinVar (database versions not stated): gnomAD exomes 0.00002; TOPMed 0.00002.
gnomAD v4.1: 14 of 1,610,502 alleles (0.00087%); highest among the groups gnomAD compares: Admixed American, 0.022%; no homozygotes.

Submission:

GeneDx
Classification: Uncertain significance. Last evaluated: 2023-06-14. Review status: criteria provided, single submitter. Criteria: GeneDx Variant Classification Process June 2021. Collection method: clinical testing. Allele origin: germline. Affected: yes.
Comment: In silico analysis supports that this missense variant has a deleterious effect on protein structure/function; Has not been previously published as pathogenic or benign to our knowledge